The following is an entry in ClinVar:

NM_001375567.1(FOCAD):c.2503+6G>C

Gene: FOCAD (focadhesin; plus strand). Cytogenetic location: 9p21.3.
Variant type: single nucleotide variant.
Coding change: c.2503+6G>C on transcript NM_001375567.1 (MANE Select); 6 bases into the intron after coding-DNA position 2503, G replaced by C.
Molecular consequence: intron variant.
Genome position (GRCh38, 1-based): chr9:20,882,062, G>C. VCF-style: chr9-20882062-G-C. GRCh37 (hg19) VCF-style: chr9-20882061-G-C.
Other names: c.2503+6G>C (NM_017794.5); c.2398+6G>C (NM_001375568.1, NM_001375570.1).
Identifiers: ClinVar variation 2708467 (VCV002708467.3), dbSNP rs1397289730, ClinGen allele CA586862133.
Genomic context (GRCh38, chr9:20,882,062, plus strand): 5'-ATATTGAAAATGTATGAAACAAACAAGCAACCAGGACTGAAACCTGGCCTTGCAGGTAAG[G>C]GTAGTACATAGTATCAAAAATACAGGTTTTTCATGTAATGATTTAACTTCCACTTTCAAG-3'

ClinVar aggregate classification (germline): Uncertain significance (1 of 4 stars; one submission).

gnomAD v4.1: 1 of 1,600,806 alleles (0.000062%); highest among the groups gnomAD compares: East Asian, 0.0022%; no homozygotes.

Submission:

Labcorp Genetics (formerly Invitae), Labcorp
Classification: Uncertain significance. Last evaluated: 2024-01-09. Review status: criteria provided, single submitter. Criteria: Invitae Variant Classification Sherloc (09022015). Collection method: clinical testing. Allele origin: germline.
Comment: This sequence change falls in intron 22 of the FOCAD gene. It does not directly change the encoded amino acid sequence of the FOCAD protein. It affects a nucleotide within the consensus splice site. This variant is present in population databases (no rsID available, gnomAD 0.006%). This variant has not been reported in the literature in individuals affected with FOCAD-related conditions. Variants that disrupt the consensus splice site are a relatively common cause of aberrant splicing (PMID: 17576681, 9536098). Algorithms developed to predict the effect of sequence changes on RNA splicing suggest that this variant is not likely to affect RNA splicing. In summary, the available evidence is currently insufficient to determine the role of this variant in disease. Therefore, it has been classified as a Variant of Uncertain Significance.

Literature cited by the submitters: PubMed 17576681; PubMed 9536098.